The following is an entry in ClinVar:

ClinVar aggregate classification (germline): Uncertain significance (1 of 4 stars; one submission).

Conditions:
Hereditary cancer-predisposing syndrome. Also called: Hereditary Cancer Syndrome; Hereditary neoplastic syndrome; Tumor predisposition; Neoplastic Syndromes, Hereditary. Identifiers: Orphanet 140162, MedGen C0027672, MeSH D009386, MONDO:0015356.

Submission:

Ambry Genetics
Classification: Uncertain significance for Hereditary cancer-predisposing syndrome. Last evaluated: 2021-12-20. Review status: criteria provided, single submitter. Criteria: Ambry Variant Classification Scheme 2023. Collection method: clinical testing. Allele origin: germline.
Comment: The p.S836T variant (also known as c.2506T>A), located in coding exon 17 of the CTNNA1 gene, results from a T to A substitution at nucleotide position 2506. The serine at codon 836 is replaced by threonine, an amino acid with similar properties. This amino acid position is conserved. In addition, the in silico prediction for this alteration is inconclusive. Since supporting evidence is limited at this time, the clinical significance of this alteration remains unclear.

NM_001903.5(CTNNA1):c.2506T>A (p.Ser836Thr)

Gene: CTNNA1 (catenin alpha 1; plus strand). Cytogenetic location: 5q31.2.
Variant type: single nucleotide variant.
Coding change: c.2506T>A on transcript NM_001903.5 (MANE Select); coding-DNA position 2506, T replaced by A.
Protein change: p.Ser836Thr; replaces serine 836 with threonine.
Molecular consequence: missense variant. On other transcripts: 3 prime UTR variant (5).
Genome position (GRCh38, 1-based): chr5:138,933,874, T>A. VCF-style: chr5-138933874-T-A. GRCh37 (hg19) VCF-style: chr5-138269563-T-A.
Other names: c.*51T>A (NM_001290307.3, NM_001324002.1, NM_001324003.1 and 2 more transcripts); c.2197T>A, p.Ser733Thr (NM_001290309.3); c.2137T>A, p.Ser713Thr (NM_001290310.3); c.1396T>A, p.Ser466Thr (NM_001290312.1, NM_001323987.1, NM_001323988.1 and 12 more transcripts); c.2506T>A, p.Ser836Thr (NM_001323982.2, NM_001323983.1, NM_001323984.2); c.2479T>A, p.Ser827Thr (NM_001323985.2); c.2413T>A, p.Ser805Thr (NM_001323986.2); c.1261T>A, p.Ser421Thr (NM_001324001.1); and 3 more; short protein forms S353T, S421T, S466T, S713T, S805T, S827T, S385T, S435T.
Identifiers: ClinVar variation 1792320 (VCV001792320.2), dbSNP rs2533949515, ClinGen allele CA361135250.